The following is an entry in ClinVar:

NM_198129.4(LAMA3):c.8104A>G (p.Thr2702Ala)

Gene: LAMA3 (laminin subunit alpha 3; plus strand). Cytogenetic location: 18q11.2.
Variant type: single nucleotide variant.
Coding change: c.8104A>G on transcript NM_198129.4 (MANE Select); coding-DNA position 8104, A replaced by G.
Protein change: p.Thr2702Ala; replaces threonine 2702 with alanine.
Molecular consequence: missense variant.
Genome position (GRCh38, 1-based): chr18:23,921,512, A>G. VCF-style: chr18-23921512-A-G. GRCh37 (hg19) VCF-style: chr18-21501476-A-G.
Other names: c.3277A>G, p.Thr1093Ala (NM_000227.6); c.7936A>G, p.Thr2646Ala (NM_001127717.4); c.3109A>G, p.Thr1037Ala (NM_001127718.4); short protein forms T2702A, T1093A, T2646A, T1037A.
Identifiers: ClinVar variation 326326 (VCV000326326.18), dbSNP rs9952370, ClinGen allele CA8916835.

ClinVar aggregate classification (germline): Benign. Review status: criteria provided, multiple submitters, no conflicts (2 of 4 stars). 5 submissions from 4 submitters: Benign (4). 1 of the submissions does not count toward it. Last evaluated 2026-02-02.

Conditions:
Junctional epidermolysis bullosa gravis of Herlitz. Also called: EPIDERMOLYSIS BULLOSA JUNCTIONALIS, HERLITZ TYPE; EPIDERMOLYSIS BULLOSA, JUNCTIONAL, HERLITZ-PEARSON TYPE; JEB-HERLITZ TYPE; Epidermolysis Bullosa Letalis; Herlitz-type junctional epidermolysis bullosa; EPIDERMOLYSIS BULLOSA, JUNCTIONAL 1B, SEVERE. Identifiers: Orphanet 79404, MedGen C0079683, MONDO:0009182, OMIM 226700.
Laryngo-onycho-cutaneous syndrome (JEB2C). Also called: LOGIC SYNDROME; EPIDERMOLYSIS BULLOSA, JUNCTIONAL 2C, LARYNGOONYCHOCUTANEOUS; SHABBIR SYNDROME. Identifiers: Orphanet 2407, MedGen C1328355, MONDO:0009513, OMIM 245660.
LAMA3-related disorder. Also called: LAMA3-related condition; LAMA3-related disorders.

Allele frequency attached by ClinVar (database versions not stated): gnomAD exomes 0.00107 and 0.00275; ExAC 0.00372; gnomAD 0.01120 and 0.01207; 1000 Genomes Project 0.01198; 1000 Genomes Project 30x 0.01202; TOPMed 0.01269; ESP Exome Variant Server 0.01307.
gnomAD v4.1: 3,326 of 1,613,698 alleles (0.21%); highest among the groups gnomAD compares: African/African-American, 4%; 61 homozygotes.

Submissions (5):

Labcorp Genetics (formerly Invitae), Labcorp
Classification: Benign. Last evaluated: 2026-02-02. Review status: criteria provided, single submitter. Criteria: Invitae Variant Classification Sherloc (09022015). Collection method: clinical testing. Allele origin: germline.

Illumina Laboratory Services, Illumina
Classification: Benign for Laryngo-onycho-cutaneous syndrome. Last evaluated: 2018-01-13. Review status: criteria provided, single submitter. Criteria: ICSL Variant Classification Criteria 13 December 2019. Collection method: clinical testing. Allele origin: germline.
Comment: This variant was observed in the ICSL laboratory as part of a predisposition screen in an ostensibly healthy population. It had not been previously curated by ICSL or reported in the Human Gene Mutation Database (HGMD: prior to June 1st, 2018), and was therefore a candidate for classification through an automated scoring system. Utilizing variant allele frequency, disease prevalence and penetrance estimates, and inheritance mode, an automated score was calculated to assess if this variant is too frequent to cause the disease. Based on the score and internal cut-off values, a variant classified as benign is not then subjected to further curation. The score for this variant resulted in a classification of benign for this disease.

Illumina Laboratory Services, Illumina
Classification: Benign for Junctional epidermolysis bullosa gravis of Herlitz. Last evaluated: 2018-01-13. Review status: criteria provided, single submitter. Criteria: ICSL Variant Classification Criteria 13 December 2019. Collection method: clinical testing. Allele origin: germline.
Comment: the same text as in the submission from Illumina Laboratory Services, Illumina above.

Breakthrough Genomics
Classification: Benign. Review status: criteria provided, single submitter. Criteria: ACMG Guidelines, 2015. Collection method: not provided. Allele origin: germline. Inheritance: Autosomal recessive inheritance. Affected: yes.

PreventionGenetics, part of Exact Sciences
Classification: Benign for LAMA3-related condition. Last evaluated: 2019-04-24. Review status: no assertion criteria provided. Collection method: clinical testing. Allele origin: germline. Not counted in ClinVar's aggregate classification.
Comment: This variant is classified as benign based on ACMG/AMP sequence variant interpretation guidelines (Richards et al. 2015 PMID: 25741868, with internal and published modifications).